The following is an entry in ClinVar:

NM_033026.6(PCLO):c.11021T>C (p.Met3674Thr)

Gene: PCLO (piccolo presynaptic cytomatrix protein; minus strand). Cytogenetic location: 7q21.11.
Variant type: single nucleotide variant.
Coding change: c.11021T>C on transcript NM_033026.6 (MANE Select); coding-DNA position 11021, T replaced by C.
Protein change: p.Met3674Thr; replaces methionine 3674 with threonine.
Molecular consequence: missense variant.
Genome position (GRCh38, 1-based): chr7:82,949,567, A>G on the plus strand (T>C on the coding strand, the complement: PCLO is on the minus strand). VCF-style: chr7-82949567-A-G. GRCh37 (hg19) VCF-style: chr7-82578883-A-G.
Other names: c.11021T>C, p.Met3674Thr (NM_014510.3); short protein forms M3674T.
Identifiers: ClinVar variation 1947418 (VCV001947418.3), dbSNP rs747081511, ClinGen allele CA4319642.
Genomic context (GRCh38, chr7:82,949,567, plus strand): 5'-CTGGAACTTTCGTCTGCTGTTGGACTCAGAGGCTTGGGGTCAGACATAGAACGCTGCATC[A>G]TCTTGGCTGTCTTAGGACTTGCTGGGGGAACTTTAGCCATATCTGGATGCAGTACTTTCT-3'
Protein context (NP_149015.2, residues 3664-3684): VPPASPKTAK[Met3674Thr]MQRSMSDPKP

ClinVar aggregate classification (germline): Uncertain significance (1 of 4 stars; one submission).

Allele frequency attached by ClinVar (database versions not stated): TOPMed below 0.00001; gnomAD 0.00001; gnomAD exomes 0.00001; ExAC 0.00002.
gnomAD v4.1: 10 of 1,613,802 alleles (0.00062%); highest among the groups gnomAD compares: Middle Eastern, 0.016%; no homozygotes.

Submission:

Labcorp Genetics (formerly Invitae), Labcorp
Classification: Uncertain significance. Last evaluated: 2024-05-15. Review status: criteria provided, single submitter. Criteria: Invitae Variant Classification Sherloc (09022015). Collection method: clinical testing. Allele origin: germline.
Comment: This sequence change replaces methionine, which is neutral and non-polar, with threonine, which is neutral and polar, at codon 3674 of the PCLO protein (p.Met3674Thr). This variant is present in population databases (rs747081511, gnomAD 0.01%). This variant has not been reported in the literature in individuals affected with PCLO-related conditions. ClinVar contains an entry for this variant (Variation ID: 1947418). Algorithms developed to predict the effect of missense changes on protein structure and function output the following: SIFT: "Not Available"; PolyPhen-2: "Not Available"; Align-GVGD: "Not Available". The threonine amino acid residue is found in multiple mammalian species, which suggests that this missense change does not adversely affect protein function. In summary, the available evidence is currently insufficient to determine the role of this variant in disease. Therefore, it has been classified as a Variant of Uncertain Significance.